The following is an entry in ClinVar:

ClinVar aggregate classification (germline): Uncertain significance (1 of 4 stars; one submission).

gnomAD v4.1: 3 of 1,553,520 alleles (0.00019%); highest among the groups gnomAD compares: South Asian, 0.0012%; no homozygotes.

Submission:

Labcorp Genetics (formerly Invitae), Labcorp
Classification: Uncertain significance. Last evaluated: 2023-05-25. Review status: criteria provided, single submitter. Criteria: Invitae Variant Classification Sherloc (09022015). Collection method: clinical testing. Allele origin: germline.
Comment: This sequence change replaces alanine, which is neutral and non-polar, with serine, which is neutral and polar, at codon 143 of the RAB11B protein (p.Ala143Ser). In summary, the available evidence is currently insufficient to determine the role of this variant in disease. Therefore, it has been classified as a Variant of Uncertain Significance. An algorithm developed to predict the effect of missense changes on protein structure and function (PolyPhen-2) suggests that this variant is likely to be disruptive. This variant has not been reported in the literature in individuals affected with RAB11B-related conditions. The frequency data for this variant in the population databases is considered unreliable, as metrics indicate poor data quality at this position in the gnomAD database.

NM_004218.4(RAB11B):c.427G>T (p.Ala143Ser)

Gene: RAB11B (RAB11B, member RAS oncogene family; plus strand). Cytogenetic location: 19p13.2.
Variant type: single nucleotide variant.
Coding change: c.427G>T on transcript NM_004218.4 (MANE Select); coding-DNA position 427, G replaced by T.
Protein change: p.Ala143Ser; replaces alanine 143 with serine.
Molecular consequence: missense variant.
Genome position (GRCh38, 1-based): chr19:8,402,276, G>T. VCF-style: chr19-8402276-G-T. GRCh37 (hg19) VCF-style: chr19-8467160-G-T.
Other names: short protein forms A143S.
Identifiers: ClinVar variation 3010941 (VCV003010941.3), dbSNP rs772721088, ClinGen allele CA403714965.